The following is an entry in ClinVar:

NM_005562.3(LAMC2):c.764-1G>A

Gene: LAMC2 (laminin subunit gamma 2; plus strand). Cytogenetic location: 1q25.3.
Variant type: single nucleotide variant.
Coding change: c.764-1G>A on transcript NM_005562.3 (MANE Select); the canonical splice acceptor site of the intron before coding-DNA position 764, G replaced by A.
Molecular consequence: splice acceptor variant.
Genome position (GRCh38, 1-based): chr1:183,223,134, G>A. VCF-style: chr1-183223134-G-A. GRCh37 (hg19) VCF-style: chr1-183192269-G-A.
Other names: c.764-1G>A (NM_018891.3).
Identifiers: ClinVar variation 2829856 (VCV002829856.3), dbSNP rs2526042624, ClinGen allele CA343680655.

ClinVar aggregate classification (germline): Likely pathogenic (1 of 4 stars; one submission).

Submission:

Labcorp Genetics (formerly Invitae), Labcorp
Classification: Likely pathogenic. Last evaluated: 2023-01-18. Review status: criteria provided, single submitter. Criteria: Invitae Variant Classification Sherloc (09022015). Collection method: clinical testing. Allele origin: germline.
Comment: This sequence change affects an acceptor splice site in intron 6 of the LAMC2 gene. It is expected to disrupt RNA splicing. Variants that disrupt the donor or acceptor splice site typically lead to a loss of protein function (PMID: 16199547), and loss-of-function variants in LAMC2 are known to be pathogenic (PMID: 11907499, 16473856). This variant is not present in population databases (gnomAD no frequency). This variant has not been reported in the literature in individuals affected with LAMC2-related conditions. Algorithms developed to predict the effect of sequence changes on RNA splicing suggest that this variant may disrupt the consensus splice site. In summary, the currently available evidence indicates that the variant is pathogenic, but additional data are needed to prove that conclusively. Therefore, this variant has been classified as Likely Pathogenic.

Literature cited by the submitters: PubMed 16199547; PubMed 11907499; PubMed 16473856.